The following is an entry in ClinVar:

NM_003673.4(TCAP):c.408_410delinsA (p.Thr137fs)

Gene: TCAP (titin-cap; plus strand). Cytogenetic location: 17q12.
Variant type: Indel.
Coding change: c.408_410delinsA on transcript NM_003673.4 (MANE Select); coding-DNA positions 408 to 410, CAC replaced by A.
Protein change: p.Thr137fs; shifts the reading frame from threonine 137.
Molecular consequence: frameshift variant.
Genome position (GRCh38, 1-based): chr17:39,666,013-39,666,015, CAC replaced by A. VCF-style: chr17-39666013-CAC-A. GRCh37 (hg19) VCF-style: chr17-37822266-CAC-A.
Other names: short protein forms T137fs.
Identifiers: ClinVar variation 2040154 (VCV002040154.4), dbSNP rs2543740088, ClinGen allele CA2580093662.
Genomic context (GRCh38, chr17:39,666,013, plus strand): 5'-GCTGGCGCTGGAGACAGCCCTGGGTGGCCAGTGTGTGGACCGCCAGGAGGTGGCTGAGAT[CAC>A]AAAGCAGCTGCCCCCTGTGGTGCCTGTCAGCAAGCCCGGTGCACTTCGTCGCTCCCTGTC-3'

ClinVar aggregate classification (germline): Uncertain significance (1 of 4 stars; one submission).

Conditions:
Primary familial hypertrophic cardiomyopathy (HCM). Identifiers: Orphanet 99739, MedGen C0949658, MeSH D024741, MONDO:0024573. Inheritance: Various modes of inheritance.
Hypertrophic cardiomyopathy 25 (CMH25). Also called: CARDIOMYOPATHY, FAMILIAL HYPERTROPHIC, 25. Identifiers: MedGen C4225408, MONDO:0011843, OMIM 607487.

Submission:

Labcorp Genetics (formerly Invitae), Labcorp
Classification: Uncertain significance for Hypertrophic cardiomyopathy 25; Primary familial hypertrophic cardiomyopathy. Last evaluated: 2022-04-05. Review status: criteria provided, single submitter. Criteria: Invitae Variant Classification Sherloc (09022015). Collection method: clinical testing. Allele origin: germline.
Comment: This variant is not present in population databases (gnomAD no frequency). In summary, the available evidence is currently insufficient to determine the role of this variant in disease. Therefore, it has been classified as a Variant of Uncertain Significance. Experimental studies and prediction algorithms are not available or were not evaluated, and the functional significance of this variant is currently unknown. This variant has not been reported in the literature in individuals affected with TCAP-related conditions. This sequence change results in a frameshift in the TCAP gene (p.Thr137Lysfs*71). While this is not anticipated to result in nonsense mediated decay, it is expected to disrupt the last 30 amino acid(s) of the TCAP protein and extend the protein by 41 additional amino acid residues.